The following is an entry in ClinVar:

NM_032444.4(SLX4):c.5211G>C (p.Glu1737Asp)

Gene: SLX4 (SLX4 structure-specific endonuclease subunit; minus strand). Cytogenetic location: 16p13.3.
Variant type: single nucleotide variant.
Coding change: c.5211G>C on transcript NM_032444.4 (MANE Select); coding-DNA position 5211, G replaced by C.
Protein change: p.Glu1737Asp; replaces glutamic acid 1737 with aspartic acid.
Molecular consequence: missense variant.
Genome position (GRCh38, 1-based): chr16:3,582,636, C>G on the plus strand (G>C on the coding strand, the complement: SLX4 is on the minus strand). VCF-style: chr16-3582636-C-G. GRCh37 (hg19) VCF-style: chr16-3632637-C-G.
Other names: c.5211G>C (LRG_503t1); short protein forms E1737D.
Identifiers: ClinVar variation 526393 (VCV000526393.7), dbSNP rs1365924781, ClinGen allele CA394513955.

ClinVar aggregate classification (germline): Uncertain significance (1 of 4 stars; one submission).

Conditions:
Fanconi anemia (FA). Also called: Fanconi's anemia. Identifiers: Orphanet 84, MedGen C0015625, MeSH D005199, MONDO:0019391.

Allele frequency attached by ClinVar (database versions not stated): TOPMed 0.00001.
gnomAD v4.1: 39 of 1,613,370 alleles (0.0024%); highest among the groups gnomAD compares: Non-Finnish European, 0.003%; no homozygotes.

Submission:

Labcorp Genetics (formerly Invitae), Labcorp
Classification: Uncertain significance for Fanconi anemia. Last evaluated: 2022-03-08. Review status: criteria provided, single submitter. Criteria: Invitae Variant Classification Sherloc (09022015). Collection method: clinical testing. Allele origin: germline.
Comment: In summary, the available evidence is currently insufficient to determine the role of this variant in disease. Therefore, it has been classified as a Variant of Uncertain Significance. Algorithms developed to predict the effect of missense changes on protein structure and function (SIFT, PolyPhen-2, Align-GVGD) all suggest that this variant is likely to be tolerated. ClinVar contains an entry for this variant (Variation ID: 526393). This variant has not been reported in the literature in individuals affected with SLX4-related conditions. This variant is present in population databases (no rsID available, gnomAD 0.002%). This sequence change replaces glutamic acid, which is acidic and polar, with aspartic acid, which is acidic and polar, at codon 1737 of the SLX4 protein (p.Glu1737Asp).